The following is an entry in ClinVar:

ClinVar aggregate classification (germline): Uncertain significance (1 of 4 stars; one submission).

Submission:

GeneDx
Classification: Uncertain significance. Last evaluated: 2023-02-23. Review status: criteria provided, single submitter. Criteria: GeneDx Variant Classification Process June 2021. Collection method: clinical testing. Allele origin: germline. Affected: yes.
Comment: Not observed at significant frequency in large population cohorts (gnomAD); In silico analysis supports that this missense variant has a deleterious effect on protein structure/function; Has not been previously published as pathogenic or benign to our knowledge

NM_020745.4(AARS2):c.1199T>C (p.Leu400Pro)

Gene: AARS2 (alanyl-tRNA synthetase 2, mitochondrial; minus strand). Cytogenetic location: 6p21.1.
Variant type: single nucleotide variant.
Coding change: c.1199T>C on transcript NM_020745.4 (MANE Select); coding-DNA position 1199, T replaced by C.
Protein change: p.Leu400Pro; replaces leucine 400 with proline.
Molecular consequence: missense variant.
Genome position (GRCh38, 1-based): chr6:44,306,381, A>G on the plus strand (T>C on the coding strand, the complement: AARS2 is on the minus strand). VCF-style: chr6-44306381-A-G. GRCh37 (hg19) VCF-style: chr6-44274118-A-G.
Other names: short protein forms L400P.
Identifiers: ClinVar variation 2577638 (VCV002577638.1), dbSNP rs2534681703, ClinGen allele CA364339688.